The following is an entry in ClinVar:

ClinVar aggregate classification (germline): Uncertain significance (1 of 4 stars; one submission).

Conditions:
Aortic aneurysm, familial thoracic 4 (AAT4). Also called: AORTIC ANEURYSM/AORTIC DISSECTION AND PATENT DUCTUS ARTERIOSUS. Identifiers: MedGen C1851504, MONDO:0007568, OMIM 132900.

Submission:

Labcorp Genetics (formerly Invitae), Labcorp
Classification: Uncertain significance for Aortic aneurysm, familial thoracic 4. Last evaluated: 2022-05-21. Review status: criteria provided, single submitter. Criteria: Invitae Variant Classification Sherloc (09022015). Collection method: clinical testing. Allele origin: germline.
Comment: Experimental studies and prediction algorithms are not available or were not evaluated, and the functional significance of this variant is currently unknown. In summary, the available evidence is currently insufficient to determine the role of this variant in disease. Therefore, it has been classified as a Variant of Uncertain Significance. A similar copy number variant has been observed in individual(s) with clinical features of autosomal dominant MYH11-related conditions (Invitae). This variant is a gross deletion of the genomic region encompassing exon(s) 11 of the MYH11 gene. This variant would be expected to be in-frame, preserving the integrity of the reading frame.

NC_000016.9:g.(?_15857633)_(15857768_?)del

Gene: MYH11 (myosin heavy chain 11; minus strand). Cytogenetic location: 16p13.11.
Variant type: Deletion.
Identifiers: ClinVar variation 2423550 (VCV002423550.4).